The following is an entry in ClinVar:

NM_001393504.1(MAST3):c.494A>G (p.Glu165Gly)

Genes: MAST3 (microtubule associated serine/threonine kinase 3; plus strand), LOC126862876 (BRD4-independent group 4 enhancer GRCh37_chr19:18232970-18234169; plus strand). Cytogenetic location: 19p13.11.
Variant type: single nucleotide variant.
Coding change: c.494A>G on transcript NM_001393504.1 (MANE Select); coding-DNA position 494, A replaced by G.
Protein change: p.Glu165Gly; replaces glutamic acid 165 with glycine.
Molecular consequence: missense variant.
Genome position (GRCh38, 1-based): chr19:18,123,311, A>G. VCF-style: chr19-18123311-A-G. GRCh37 (hg19) VCF-style: chr19-18234121-A-G.
Other names: c.518A>G, p.Glu173Gly (NM_001393501.1); c.497A>G, p.Glu166Gly (NM_001393502.1); c.494A>G, p.Glu165Gly (NM_001393503.1); c.491A>G, p.Glu164Gly (NM_001393505.1); c.446A>G, p.Glu149Gly (NM_001393506.1, NM_001393513.1); c.473A>G, p.Glu158Gly (NM_001393507.1); c.428A>G, p.Glu143Gly (NM_001393508.1, NM_001393516.1); c.425A>G, p.Glu142Gly (NM_001393509.1, NM_001393510.1, NM_001393512.1 and 2 more transcripts); and 4 more; short protein forms E127G, E135G, E136G, E141G, E142G, E143G, E149G, E158G.
Identifiers: ClinVar variation 5019664 (VCV005019664.2).

ClinVar aggregate classification (germline): Uncertain significance (1 of 4 stars; one submission).

Conditions:
Developmental and epileptic encephalopathy 108 (DEE108). Identifiers: MedGen C5774253, MONDO:0859314, OMIM 620115.

Submission:

Juno Genomics, Hangzhou Juno Genomics, Inc
Classification: Uncertain significance for Developmental and epileptic encephalopathy 108. Review status: criteria provided, single submitter. Criteria: ACMG Guidelines, 2015. Collection method: clinical testing. Allele origin: germline.
Comment: Absent from controls (or at extremely low frequency if recessive) in Genome Aggregation Database.;Missense variant in a gene that has a low rate of benign missense variation.